The following is an entry in ClinVar:

ClinVar aggregate classification (germline): Uncertain significance. Review status: criteria provided, multiple submitters, no conflicts (2 of 4 stars). 2 submissions from 2 submitters: Uncertain significance (2). Last evaluated 2023-06-09.

Allele frequency attached by ClinVar (database versions not stated): ExAC 0.00001; gnomAD 0.00001; gnomAD exomes 0.00002; TOPMed 0.00002.
gnomAD v4.1: 26 of 1,613,994 alleles (0.0016%); highest among the groups gnomAD compares: Non-Finnish European, 0.0021%; no homozygotes.

Submissions (2):

Labcorp Genetics (formerly Invitae), Labcorp
Classification: Uncertain significance. Last evaluated: 2023-06-09. Review status: criteria provided, single submitter. Criteria: Invitae Variant Classification Sherloc (09022015). Collection method: clinical testing. Allele origin: germline.
Comment: In summary, the available evidence is currently insufficient to determine the role of this variant in disease. Therefore, it has been classified as a Variant of Uncertain Significance. This sequence change replaces serine, which is neutral and polar, with threonine, which is neutral and polar, at codon 126 of the GRM1 protein (p.Ser126Thr). This variant is present in population databases (rs779134688, gnomAD 0.004%). This variant has not been reported in the literature in individuals affected with GRM1-related conditions. An algorithm developed to predict the effect of missense changes on protein structure and function (PolyPhen-2) suggests that this variant is likely to be disruptive.

CeGaT Center for Human Genetics Tuebingen
Classification: Uncertain significance. Last evaluated: 2022-08-01. Review status: criteria provided, single submitter. Criteria: CeGaT Center For Human Genetics Tuebingen Variant Classification Criteria Version 2. Collection method: clinical testing. Allele origin: germline. Affected: yes. Observed: 1 variant allele.
Comment: GRM1: PM2, PP3

NM_001278064.2(GRM1):c.376T>A (p.Ser126Thr)

Gene: GRM1 (glutamate metabotropic receptor 1; plus strand). Cytogenetic location: 6q24.3.
Variant type: single nucleotide variant.
Coding change: c.376T>A on transcript NM_001278064.2 (MANE Select); coding-DNA position 376, T replaced by A.
Protein change: p.Ser126Thr; replaces serine 126 with threonine.
Molecular consequence: missense variant.
Genome position (GRCh38, 1-based): chr6:146,029,893, T>A. VCF-style: chr6-146029893-T-A. GRCh37 (hg19) VCF-style: chr6-146351029-T-A.
Other names: c.376T>A, p.Ser126Thr (NM_001278065.2, NM_001278066.1, NM_001278067.1); short protein forms S126T.
Identifiers: ClinVar variation 2656969 (VCV002656969.27), dbSNP rs779134688, ClinGen allele CA4037041.